The following is an entry in ClinVar:

ClinVar aggregate classification (germline): Conflicting classifications of pathogenicity. Review status: criteria provided, conflicting classifications (1 of 4 stars). 2 submissions from 2 submitters: Uncertain significance (1); Benign (1). Last evaluated 2025-11-12.

Conditions:
Cardiovascular phenotype. Identifiers: MedGen CN230736.

Allele frequency attached by ClinVar (database versions not stated): TOPMed 0.00003; gnomAD exomes 0.00006; gnomAD 0.00007; ESP Exome Variant Server 0.00015; 1000 Genomes Project 30x 0.00016; 1000 Genomes Project 0.00020; ExAC 0.00005.
gnomAD v4.1: 98 of 1,613,798 alleles (0.0061%); highest among the groups gnomAD compares: East Asian, 0.029%; 1 homozygote.

Submissions (2):

Ambry Genetics
Classification: Benign for Cardiovascular phenotype. Last evaluated: 2025-11-12. Review status: criteria provided, single submitter. Criteria: Ambry Variant Classification Scheme 2023. Collection method: clinical testing. Allele origin: germline.

Labcorp Genetics (formerly Invitae), Labcorp
Classification: Uncertain significance. Last evaluated: 2022-05-30. Review status: criteria provided, single submitter. Criteria: Invitae Variant Classification Sherloc (09022015). Collection method: clinical testing. Allele origin: germline.
Comment: This variant is present in population databases (rs141544967, gnomAD 0.02%). This sequence change replaces arginine, which is basic and polar, with tryptophan, which is neutral and slightly polar, at codon 458 of the EPHB4 protein (p.Arg458Trp). This variant has not been reported in the literature in individuals affected with EPHB4-related conditions. Algorithms developed to predict the effect of missense changes on protein structure and function (SIFT, PolyPhen-2, Align-GVGD) all suggest that this variant is likely to be disruptive. In summary, the available evidence is currently insufficient to determine the role of this variant in disease. Therefore, it has been classified as a Variant of Uncertain Significance.

NM_004444.5(EPHB4):c.1372C>T (p.Arg458Trp)

Gene: EPHB4 (EPH receptor B4; minus strand). Cytogenetic location: 7q22.1.
Variant type: single nucleotide variant.
Coding change: c.1372C>T on transcript NM_004444.5 (MANE Select); coding-DNA position 1372, C replaced by T.
Protein change: p.Arg458Trp; replaces arginine 458 with tryptophan.
Molecular consequence: missense variant.
Genome position (GRCh38, 1-based): chr7:100,818,570, G>A on the plus strand (C>T on the coding strand, the complement: EPHB4 is on the minus strand). VCF-style: chr7-100818570-G-A. GRCh37 (hg19) VCF-style: chr7-100416192-G-A.
Other names: c.1372C>T (NM_004444.4); short protein forms R458W.
Identifiers: ClinVar variation 2052750 (VCV002052750.5), dbSNP rs141544967, ClinGen allele CA4393010.
Genomic context (GRCh38, chr7:100,818,570, plus strand): 5'-ATGGCCTTACCTTCTCATGGTATTTGACCTCGTAGTCCAGCACAGCCCCACTGGGTGCCC[G>A]GGGAACAGCCCAGGCCAGGCTCAAGCTGCTGGGTGAGGACCGCGTCACCCGGATGTCAGA-3'
Protein context (NP_004435.3, residues 448-468): SSLSLAWAVP[Arg458Trp]APSGAVLDYE